The following is an entry in ClinVar:

NM_001042492.3(NF1):c.4796C>G (p.Ser1599Cys)

Gene: NF1 (neurofibromin 1; plus strand). Cytogenetic location: 17q11.2.
Variant type: single nucleotide variant.
Coding change: c.4796C>G on transcript NM_001042492.3 (MANE Select); coding-DNA position 4796, C replaced by G.
Protein change: p.Ser1599Cys; replaces serine 1599 with cysteine.
Molecular consequence: missense variant.
Genome position (GRCh38, 1-based): chr17:31,265,300, C>G. VCF-style: chr17-31265300-C-G. GRCh37 (hg19) VCF-style: chr17-29592318-C-G.
Other names: c.4733C>G, p.Ser1578Cys (NM_000267.4); short protein forms S1578C, S1599C.
Identifiers: ClinVar variation 484126 (VCV000484126.7), dbSNP rs1555619407, ClinGen allele CA399001311.

ClinVar aggregate classification (germline): Conflicting classifications of pathogenicity. Review status: criteria provided, conflicting classifications (1 of 4 stars). 4 submissions from 4 submitters: Likely pathogenic (1); Uncertain significance (3). Last evaluated 2026-03-29.

Conditions:
Hereditary cancer-predisposing syndrome. Also called: Hereditary neoplastic syndrome; Neoplastic Syndromes, Hereditary; Tumor predisposition; Hereditary Cancer Syndrome. Identifiers: Orphanet 140162, MedGen C0027672, MeSH D009386, MONDO:0015356.
Cardiovascular phenotype. Identifiers: MedGen CN230736.
Neurofibromatosis, type 1 (NF1). Also called: VON RECKLINGHAUSEN DISEASE; Neurofibromatosis, type I; Peripheral type neurofibromatosis; NEUROFIBROMATOSIS, TYPE I, SOMATIC. Identifiers: Orphanet 636, MedGen C0027831, MONDO:0018975, OMIM 162200. Disease mechanism: loss of function.

Submissions (4):

GeneDx
Classification: Uncertain significance. Last evaluated: 2026-03-29. Review status: criteria provided, single submitter. Criteria: GeneDx Variant Classification Process June 2021. Collection method: clinical testing. Allele origin: germline.
Comment: Not observed at significant frequency in large population cohorts (gnomAD); In silico analysis supports that this missense variant has a deleterious effect on protein structure/function; Has not been previously published as pathogenic or benign to our knowledge; This variant is associated with the following publications: (PMID: 35885913)

Labcorp Genetics (formerly Invitae), Labcorp
Classification: Likely pathogenic for Neurofibromatosis, type 1. Last evaluated: 2025-06-17. Review status: criteria provided, single submitter. Criteria: Invitae Variant Classification Sherloc (09022015). Collection method: clinical testing. Allele origin: germline.
Comment: This sequence change replaces serine, which is neutral and polar, with cysteine, which is neutral and slightly polar, at codon 1578 of the NF1 protein (p.Ser1578Cys). This variant is not present in population databases (gnomAD no frequency). This variant has not been reported in the literature in individuals affected with NF1-related conditions. ClinVar contains an entry for this variant (Variation ID: 484126). Invitae Evidence Modeling of protein sequence and biophysical properties (such as structural, functional, and spatial information, amino acid conservation, physicochemical variation, residue mobility, and thermodynamic stability) indicates that this missense variant is expected to disrupt NF1 protein function with a positive predictive value of 95%. This variant disrupts the p.Ser1578 amino acid residue in NF1. Other variant(s) that disrupt this residue have been determined to be pathogenic (PMID: 35885913; internal data). This suggests that this residue is clinically significant, and that variants that disrupt this residue are likely to be disease-causing. In summary, the currently available evidence indicates that the variant is pathogenic, but additional data are needed to prove that conclusively. Therefore, this variant has been classified as Likely Pathogenic.

Women's Health and Genetics/Laboratory Corporation of America, LabCorp
Classification: Uncertain significance. Last evaluated: 2025-05-16. Review status: criteria provided, single submitter. Criteria: LabCorp Variant Classification Summary - May 2015. Collection method: clinical testing. Allele origin: germline.
Comment: Variant summary: NF1 c.4733C>G (p.Ser1578Cys) results in a non-conservative amino acid change in the encoded protein sequence. Algorithms developed to predict the effect of missense changes on protein structure and function are either unavailable or do not agree on the potential impact of this missense change. The variant was absent in 251004 control chromosomes. The available data on variant occurrences in the general population are insufficient to allow any conclusion about variant significance. To our knowledge, no occurrence of c.4733C>G in individuals affected with Neurofibromatosis Type 1 and no experimental evidence demonstrating its impact on protein function have been reported. ClinVar contains an entry for this variant (Variation ID: 484126). Based on the evidence outlined above, the variant was classified as uncertain significance.

Ambry Genetics
Classification: Uncertain significance for Cardiovascular phenotype; Hereditary cancer-predisposing syndrome. Last evaluated: 2017-05-10. Review status: criteria provided, single submitter. Criteria: Ambry Variant Classification Scheme 2023. Collection method: clinical testing. Allele origin: germline.
Comment: The p.S1578C variant (also known as c.4733C>G), located in coding exon 35 of the NF1 gene, results from a C to G substitution at nucleotide position 4733. The serine at codon 1578 is replaced by cysteine, an amino acid with dissimilar properties. A different alteration at this position, p.S1578F, was reported in a cohort of individuals with a clinical diagnosis of neurofibromatosis (Bendova S et al. J. Mol. Neurosci., 2007;31:273-9). This amino acid position is highly conserved in available vertebrate species. In addition, this alteration is predicted to be deleterious by in silico analysis. Since supporting evidence is limited at this time, the clinical significance of this alteration remains unclear.

Literature cited by the submitters: PubMed 35885913 (cited by Labcorp Genetics (formerly Invitae), Labcorp).